The following is an entry in ClinVar:

NM_080680.3(COL11A2):c.91C>G (p.Pro31Ala)

Gene: COL11A2 (collagen type XI alpha 2 chain; minus strand). Cytogenetic location: 6p21.32.
Variant type: single nucleotide variant.
Coding change: c.91C>G on transcript NM_080680.3 (MANE Select); coding-DNA position 91, C replaced by G.
Protein change: p.Pro31Ala; replaces proline 31 with alanine.
Molecular consequence: missense variant. On other transcripts: 5 prime UTR variant (3), non-coding transcript variant (1).
Genome position (GRCh38, 1-based): chr6:33,189,461, G>C on the plus strand (C>G on the coding strand, the complement: COL11A2 is on the minus strand). VCF-style: chr6-33189461-G-C. GRCh37 (hg19) VCF-style: chr6-33157238-G-C.
Other names: c.91C>G, p.Pro31Ala (NM_001163771.2, NM_001424108.1, NM_080679.3 and 1 more transcripts); c.-756C>G (NM_001424109.1, NM_001424110.1, NM_001424111.1); short protein forms P31A.
Identifiers: ClinVar variation 4739811 (VCV004739811.1).

ClinVar aggregate classification (germline): Uncertain significance (1 of 4 stars; one submission).

gnomAD v4.1: 1 of 1,613,086 alleles (0.000062%); highest among the groups gnomAD compares: Non-Finnish European, 0.000085%; no homozygotes.

Submission:

Labcorp Genetics (formerly Invitae), Labcorp
Classification: Uncertain significance. Last evaluated: 2025-07-24. Review status: criteria provided, single submitter. Criteria: Invitae Variant Classification Sherloc (09022015). Collection method: clinical testing. Allele origin: germline.
Comment: This sequence change replaces proline, which is neutral and non-polar, with alanine, which is neutral and non-polar, at codon 31 of the COL11A2 protein (p.Pro31Ala). This variant is not present in population databases (gnomAD no frequency). This variant has not been reported in the literature in individuals affected with COL11A2-related conditions. Invitae Evidence Modeling of protein sequence and biophysical properties (such as structural, functional, and spatial information, amino acid conservation, physicochemical variation, residue mobility, and thermodynamic stability) indicates that this missense variant is not expected to disrupt COL11A2 protein function with a negative predictive value of 95%. In summary, the available evidence is currently insufficient to determine the role of this variant in disease. Therefore, it has been classified as a Variant of Uncertain Significance.